The following is an entry in ClinVar:

ClinVar aggregate classification (germline): Uncertain significance (1 of 4 stars; one submission).

Conditions:
Pheochromocytoma. Also called: MAX-Related Hereditary Paraganglioma-Pheochromocytoma Syndrome. Identifiers: Orphanet 29072, MedGen C0031511, MONDO:0008233, OMIM 171300, HP:0002666.
Cowden syndrome 3 (CWS3). Identifiers: Orphanet 201, MedGen CN166604, MONDO:0014045.
Carney-Stratakis syndrome. Also called: PARAGANGLIOMA AND GASTROINTESTINAL STROMAL TUMOR. Identifiers: Orphanet 97286, MedGen C1847319, MONDO:0011740, OMIM 606864.
Paragangliomas with sensorineural hearing loss. Identifiers: MedGen C1868633.

Submission:

Labcorp Genetics (formerly Invitae), Labcorp
Classification: Uncertain significance for Carney-Stratakis syndrome; Paragangliomas with sensorineural hearing loss; Pheochromocytoma; Cowden syndrome 3. Last evaluated: 2024-08-20. Review status: criteria provided, single submitter. Criteria: Invitae Variant Classification Sherloc (09022015). Collection method: clinical testing. Allele origin: germline.
Comment: This sequence change replaces arginine, which is basic and polar, with serine, which is neutral and polar, at codon 27 of the SDHD protein (p.Arg27Ser). This variant is not present in population databases (gnomAD no frequency). This variant has not been reported in the literature in individuals affected with SDHD-related conditions. Invitae Evidence Modeling of protein sequence and biophysical properties (such as structural, functional, and spatial information, amino acid conservation, physicochemical variation, residue mobility, and thermodynamic stability) has been performed for this missense variant. However, the output from this modeling did not meet the statistical confidence thresholds required to predict the impact of this variant on SDHD protein function. In summary, the available evidence is currently insufficient to determine the role of this variant in disease. Therefore, it has been classified as a Variant of Uncertain Significance.

NM_003002.4(SDHD):c.81A>T (p.Arg27Ser)

Gene: SDHD (succinate dehydrogenase complex subunit D; plus strand). Cytogenetic location: 11q23.1.
Variant type: single nucleotide variant.
Coding change: c.81A>T on transcript NM_003002.4 (MANE Select); coding-DNA position 81, A replaced by T.
Protein change: p.Arg27Ser; replaces arginine 27 with serine.
Molecular consequence: missense variant. On other transcripts: non-coding transcript variant (1), intron variant (1).
Genome position (GRCh38, 1-based): chr11:112,087,885, A>T. VCF-style: chr11-112087885-A-T. GRCh37 (hg19) VCF-style: chr11-111958609-A-T.
Other names: c.81A>T, p.Arg27Ser (NM_001276503.2, NM_001276506.2); c.52+926A>T (NM_001276504.2); short protein forms R27S.
Identifiers: ClinVar variation 3757756 (VCV003757756.2).
Genomic context (GRCh38, chr11:112,087,885, plus strand): 5'-TCTTATGATCATCCTAATGACTCTTTCCTCAGCTCTGTTGCTTCGAACTCCAGTGGTCAG[A>T]CCTGCTCATATCTCAGCATTTCTTCAGGACCGACCTATCCCAGAATGGTGTGGAGTGCAG-3'
Protein context (NP_002993.1, residues 17-37): RALLLRTPVV[Arg27Ser]PAHISAFLQD